The following is an entry in ClinVar:

ClinVar aggregate classification (germline): Uncertain significance (1 of 4 stars; one submission).

Conditions:
Joubert syndrome 21 (JBTS21). Identifiers: MedGen C3810212, MONDO:0014288, OMIM 615636.

Allele frequency attached by ClinVar (database versions not stated): gnomAD exomes below 0.00001.
gnomAD v4.1: 1 of 1,613,390 alleles (0.000062%); highest among the groups gnomAD compares: Admixed American, 0.0017%; no homozygotes.

Submission:

Labcorp Genetics (formerly Invitae), Labcorp
Classification: Uncertain significance for Joubert syndrome 21. Last evaluated: 2023-11-27. Review status: criteria provided, single submitter. Criteria: Invitae Variant Classification Sherloc (09022015). Collection method: clinical testing. Allele origin: germline.
Comment: This sequence change replaces proline, which is neutral and non-polar, with serine, which is neutral and polar, at codon 497 of the CSPP1 protein (p.Pro497Ser). This variant is present in population databases (no rsID available, gnomAD 0.003%). This variant has not been reported in the literature in individuals affected with CSPP1-related conditions. ClinVar contains an entry for this variant (Variation ID: 2095360). Algorithms developed to predict the effect of missense changes on protein structure and function output the following: SIFT: "Not Available"; PolyPhen-2: "Benign"; Align-GVGD: "Not Available". The serine amino acid residue is found in multiple mammalian species, which suggests that this missense change does not adversely affect protein function. In summary, the available evidence is currently insufficient to determine the role of this variant in disease. Therefore, it has been classified as a Variant of Uncertain Significance.

NM_001382391.1(CSPP1):c.1504C>T (p.Pro502Ser)

Gene: CSPP1 (centrosome and spindle pole associated protein 1; plus strand). Cytogenetic location: 8q13.2.
Variant type: single nucleotide variant.
Coding change: c.1504C>T on transcript NM_001382391.1 (MANE Select); coding-DNA position 1504, C replaced by T.
Protein change: p.Pro502Ser; replaces proline 502 with serine.
Molecular consequence: missense variant.
Genome position (GRCh38, 1-based): chr8:67,118,255, C>T. VCF-style: chr8-67118255-C-T. GRCh37 (hg19) VCF-style: chr8-68030490-C-T.
Other names: c.607C>T, p.Pro203Ser (NM_001291339.2); c.1423C>T, p.Pro475Ser (NM_001363131.2); c.1462C>T, p.Pro488Ser (NM_001363132.2); c.1381C>T, p.Pro461Ser (NM_001363133.2); c.1570C>T, p.Pro524Ser (NM_001364869.1); c.1390C>T, p.Pro464Ser (NM_001364870.1); c.1489C>T, p.Pro497Ser (NM_024790.7); short protein forms P203S, P461S, P502S, P464S, P497S, P475S, P488S, P524S.
Identifiers: ClinVar variation 2095360 (VCV002095360.4), dbSNP rs1313557807, ClinGen allele CA371200339.
Genomic context (GRCh38, chr8:67,118,255, plus strand): 5'-TAAAAAATTGCAATGAAATATGAGAGGAATTTTTCATCTTTCTTTTCATACAGGATTGCA[C>T]CTCTGCCTCCACCTCCCCTACTACCACCTTTGGCTACTAACTATCGAACTCCTTATGATG-3'
Protein context (NP_001369320.1, residues 492-512): LGEMVSPRIA[Pro502Ser]LPPPPLLPPL